The following is an entry in ClinVar:

ClinVar aggregate classification (germline): Likely pathogenic. Review status: criteria provided, single submitter (1 of 4 stars). 2 submissions from 2 submitters: Likely pathogenic (1). 1 of the submissions does not count toward it.

Conditions:
Cataract 4 multiple types. Also called: CATARACT 4, PUNCTATE; CATARACT 4, CRYSTALLINE; CATARACT 4, CENTRAL NUCLEAR; CATARACT 4, NONNUCLEAR POLYMORPHIC CONGENITAL; CATARACT 4, ACULEIFORM; CATARACT 4, MULTIPLE TYPES, WITH OR WITHOUT MICROCORNEA. Identifiers: Orphanet 1377, MedGen C3540850, MONDO:0007281, OMIM 115700.
Developmental cataract. Also called: Congenital cataracts; Congenital cataract; Bilateral cataracts. Identifiers: MedGen C0009691, HP:0000519.

Submissions (2):

Juno Genomics, Hangzhou Juno Genomics, Inc
Classification: Likely pathogenic for Cataract 4 multiple types. Review status: criteria provided, single submitter. Criteria: ACMG Guidelines, 2015. Collection method: clinical testing. Allele origin: germline. Affected: yes.
Comment: Absent from controls (or at extremely low frequency if recessive) in Genome Aggregation Database, Exome Sequencing Project, 1000 Genomes Project, or Exome Aggregation Consortium.;Null variant in a gene where loss of function (LOF) is a known mechanism of disease.;The prevalence of the variant in affected individuals is significantly increased compared to the prevalence in controls.;Patient's phenotype or family history is highly specific for a disease with a single genetic etiology.;Assumed de novo, but without confirmation of paternity and maternity.

Eye Genetics Research Group, Children's Medical Research Institute
Classification: Pathogenic for Developmental cataract. Last evaluated: 2015-01-09. Review status: no assertion criteria provided. Collection method: research. Allele origin: de novo. Affected: yes. Not counted in ClinVar's aggregate classification.

Literature cited by the submitters: PubMed 26694549 (cited by Eye Genetics Research Group, Children's Medical Research Institute).

NM_006891.4(CRYGD):c.448dup (p.Asp150fs)

Genes: CRYGD (crystallin gamma D; minus strand), LOC100507443 (uncharacterized LOC100507443; plus strand). Cytogenetic location: 2q33.3.
Variant type: Duplication.
Coding change: c.448dup on transcript NM_006891.4 (MANE Select); coding-DNA position 448, one base duplicated (G; older notation c.448dupG).
Protein change: p.Asp150fs; shifts the reading frame from aspartic acid 150.
Molecular consequence: frameshift variant.
Genome position (GRCh38, 1-based): chr2:208,121,750, C duplicated on the plus strand (G on the coding strand, the reverse complement: CRYGD is on the minus strand); the first of 4 consecutive C bases (chr2:208,121,750-208,121,753); duplicating any one gives the same sequence. VCF-style (leftmost placement, unchanged base first): chr2-208121749-T-TC. GRCh37 (hg19) VCF-style: chr2-208986473-T-TC.
Other names: short protein forms D150fs.
Identifiers: ClinVar variation 217353 (VCV000217353.3), dbSNP rs864309701, ClinGen allele CA278833.